The following is an entry in ClinVar:

NM_032436.4(CHAMP1):c.2070A>G (p.Glu690=)

Gene: CHAMP1 (chromosome alignment maintaining phosphoprotein 1; plus strand). Cytogenetic location: 13q34.
Variant type: single nucleotide variant.
Coding change: c.2070A>G on transcript NM_032436.4 (MANE Select); coding-DNA position 2070, A replaced by G.
Protein change: p.Glu690=; no amino-acid change (glutamic acid 690 retained).
Molecular consequence: synonymous variant.
Genome position (GRCh38, 1-based): chr13:114,325,912, A>G. VCF-style: chr13-114325912-A-G. GRCh37 (hg19) VCF-style: chr13-115091387-A-G.
Other names: c.2070A>G, p.Glu690= (NM_001164144.3, NM_001164145.3).
Identifiers: ClinVar variation 3040445 (VCV003040445.2), dbSNP rs138469382, ClinGen allele CA7070950.

ClinVar aggregate classification (germline): Likely benign (0 of 4 stars; one submission).

Conditions:
CHAMP1-related disorder. Also called: CHAMP1-related condition.

Allele frequency attached by ClinVar (database versions not stated): ESP Exome Variant Server 0.00023; ExAC 0.00024; gnomAD exomes 0.00037; gnomAD 0.00038; TOPMed 0.00040; 1000 Genomes Project 0.00060; 1000 Genomes Project 30x 0.00062.

Submission:

PreventionGenetics, part of Exact Sciences
Classification: Likely benign for CHAMP1-related condition. Last evaluated: 2019-03-14. Review status: no assertion criteria provided. Collection method: clinical testing. Allele origin: germline.
Comment: This variant is classified as likely benign based on ACMG/AMP sequence variant interpretation guidelines (Richards et al. 2015 PMID: 25741868, with internal and published modifications).